The following is an entry in ClinVar:

NM_004168.4(SDHA):c.-5C>G

Gene: SDHA (succinate dehydrogenase complex flavoprotein subunit A; plus strand). Cytogenetic location: 5p15.33.
Variant type: single nucleotide variant.
Coding change: c.-5C>G on transcript NM_004168.4 (MANE Select); 5 bases upstream of the start codon, C replaced by G.
Molecular consequence: 5 prime UTR variant.
Genome position (GRCh38, 1-based): chr5:218,351, C>G. VCF-style: chr5-218351-C-G. GRCh37 (hg19) VCF-style: chr5-218466-C-G.
Other names: c.-5C>G (NM_001294332.2, NM_001330758.2).
Identifiers: ClinVar variation 3223751 (VCV003223751.2), dbSNP rs572126995, ClinGen allele CA2578252889.
Genomic context (GRCh38, chr5:218,351, plus strand): 5'-CCGGTGTGGTGCGCAGGCGCAGTCTGCGCAGGGACTGGCGGGACTGCGCGGCGGCAACAG[C>G]AGACATGTCGGGGGTCCGGGGCCTGTCGCGGCTGCTGAGCGCTCGGCGCCTGGCGCTGGC-3'

ClinVar aggregate classification (germline): Uncertain significance. Review status: criteria provided, multiple submitters, no conflicts (2 of 4 stars). 2 submissions from 2 submitters: Uncertain significance (2). Last evaluated 2024-02-01.

Conditions:
Hereditary cancer-predisposing syndrome. Also called: Tumor predisposition; Hereditary neoplastic syndrome; Hereditary Cancer Syndrome; Neoplastic Syndromes, Hereditary. Identifiers: Orphanet 140162, MedGen C0027672, MeSH D009386, MONDO:0015356.

gnomAD v4.1: 5 of 1,458,206 alleles (0.00034%); highest among the groups gnomAD compares: African/African-American, 0.0015%; no homozygotes.

Submissions (2):

Ambry Genetics
Classification: Uncertain significance for Hereditary cancer-predisposing syndrome. Last evaluated: 2024-02-01. Review status: criteria provided, single submitter. Criteria: Ambry Variant Classification Scheme 2023. Collection method: clinical testing. Allele origin: germline.
Comment: The c.-5C>G variant is located in the 5' untranslated region (5&rsquo; UTR) of the SDHA gene. This variant results from a C to G substitution 5 bases upstream from the first translated codon. This nucleotide position is well conserved in available vertebrate species. Based on the available evidence, the clinical significance of this alteration remains unclear.

GeneDx
Classification: Uncertain significance. Last evaluated: 2023-05-16. Review status: criteria provided, single submitter. Criteria: GeneDx Variant Classification Process June 2021. Collection method: clinical testing. Allele origin: germline. Affected: yes.
Comment: Not observed at significant frequency in large population cohorts (gnomAD); Has not been previously published as pathogenic or benign to our knowledge